The following is an entry in ClinVar:

NM_001079872.2(CUL4B):c.408G>A (p.Gln136=)

Genes: CUL4B (cullin 4B; minus strand), LOC113845788 (Sharpr-MPRA regulatory region 11856; plus strand). Cytogenetic location: Xq24.
Variant type: single nucleotide variant.
Coding change: c.408G>A on transcript NM_001079872.2 (MANE Select); coding-DNA position 408, G replaced by A.
Protein change: p.Gln136=; no amino-acid change (glutamine 136 retained).
Molecular consequence: synonymous variant.
Genome position (GRCh38, 1-based): chrX:120,560,231, C>T on the plus strand (G>A on the coding strand, the complement: CUL4B is on the minus strand). VCF-style: chrX-120560231-C-T. GRCh37 (hg19) VCF-style: chrX-119694086-C-T.
Other names: c.423G>A, p.Gln141= (NM_001330624.2); c.462G>A, p.Gln154= (NM_003588.4).
Identifiers: ClinVar variation 3357462 (VCV003357462.1).
Genomic context (GRCh38, chrX:120,560,231, plus strand): 5'-GTTTGCATGATGCACCGAAGCCACAGAAGAGATTAATATACTCTTATTTTTAAGTTGCTG[C>T]TGCTGAGATGTTGCAGCAGTTGGTGAAGATGAGGAGGAGGAGGAGGAGGATTCCTCAGCC-3'
Protein context (NP_001073341.1, residues 126-146): SSSPTAATSQ[Gln136=]QQLKNKSILI

ClinVar aggregate classification (germline): Likely benign (0 of 4 stars; one submission).

Conditions:
CUL4B-related disorder. Also called: CUL4B-related condition.

Submission:

PreventionGenetics, part of Exact Sciences
Classification: Likely benign for CUL4B-related condition. Last evaluated: 2021-06-28. Review status: no assertion criteria provided. Collection method: clinical testing. Allele origin: germline.
Comment: This variant is classified as likely benign based on ACMG/AMP sequence variant interpretation guidelines (Richards et al. 2015 PMID: 25741868, with internal and published modifications).